The following is an entry in ClinVar:

NM_001258392.3(CLPB):c.278dup (p.Pro94fs)

Genes: CLPB (ClpB family mitochondrial disaggregase; minus strand), LOC130006336 (ATAC-STARR-seq lymphoblastoid active region 5191; plus strand). Cytogenetic location: 11q13.4.
Variant type: Duplication.
Coding change: c.278dup on transcript NM_001258392.3 (MANE Select); coding-DNA position 278, one base duplicated (G; older notation c.278dupG).
Protein change: p.Pro94fs; shifts the reading frame from proline 94.
Molecular consequence: frameshift variant.
Genome position (GRCh38, 1-based): chr11:72,434,197, C duplicated on the plus strand (G on the coding strand, the reverse complement: CLPB is on the minus strand); the first of 2 consecutive C bases (chr11:72,434,197-72,434,198); duplicating either gives the same sequence. VCF-style (leftmost placement, unchanged base first): chr11-72434196-A-AC. GRCh37 (hg19) VCF-style: chr11-72145240-A-AC.
Other names: c.278dup, p.Pro94fs (NM_001258393.3, NM_030813.6); c.36dup, p.Ser13fs (NM_001258394.3); short protein forms P94fs, S13fs.
Identifiers: ClinVar variation 2042071 (VCV002042071.4), dbSNP rs2496013518, ClinGen allele CA2580084864.
Genomic context (GRCh38, chr11:72,434,196, plus strand): 5'-CAGTCCGGCCCTGCTGGGGACCCCGTTCCAGCTGTCCTGTCCTGGGAGTGTTTCTTCGGG[A>AC]CCAGGAAGGCGTCCCCAAGTGGCAGCCGCGAGGCATTTGGTATCGAAGCGTCCTCCCTGG-3'

ClinVar aggregate classification (germline): Pathogenic (1 of 4 stars; one submission).

Conditions:
3-methylglutaconic aciduria, type VIIB (MGCA7B). Also called: CLPB Deficiency; 3-methylglutaconic aciduria, type VII, with cataracts, neurologic involvement and neutropenia; 3-methylglutaconic aciduria with cataracts, neurologic involvement and neutropenia. Identifiers: Orphanet 445038, MedGen C5676893, MONDO:0014561, OMIM 616271.

Submission:

Labcorp Genetics (formerly Invitae), Labcorp
Classification: Pathogenic for 3-methylglutaconic aciduria, type VIIB. Last evaluated: 2021-12-13. Review status: criteria provided, single submitter. Criteria: Invitae Variant Classification Sherloc (09022015). Collection method: clinical testing. Allele origin: germline.
Comment: For these reasons, this variant has been classified as Pathogenic. This variant has not been reported in the literature in individuals affected with CLPB-related conditions. This variant is not present in population databases (gnomAD no frequency). This sequence change creates a premature translational stop signal (p.Pro94Serfs*99) in the CLPB gene. It is expected to result in an absent or disrupted protein product. Loss-of-function variants in CLPB are known to be pathogenic (PMID: 25597510, 28687938).

Literature cited by the submitters: PubMed 25597510; PubMed 28687938.